The following is an entry in ClinVar:

ClinVar aggregate classification (germline): Uncertain significance (1 of 4 stars; one submission).

Conditions:
Ornithine aminotransferase deficiency (GACR). Also called: OAT DEFICIENCY; OKT DEFICIENCY; HYPERORNITHINEMIA WITH GYRATE ATROPHY OF CHOROID AND RETINA; Ornithine ketoacid aminotransferase deficiency; Gyrate atrophy; Gyrate atrophy of choroid and retina. Identifiers: Orphanet 414, MedGen C0018425, MONDO:0009796, OMIM 258870.

Allele frequency attached by ClinVar (database versions not stated): gnomAD exomes below 0.00001.
gnomAD v4.1: 1 of 1,612,948 alleles (0.000062%); highest among the groups gnomAD compares: Non-Finnish European, 0.000085%; no homozygotes.

Submission:

Labcorp Genetics (formerly Invitae), Labcorp
Classification: Uncertain significance for Ornithine aminotransferase deficiency. Last evaluated: 2023-11-27. Review status: criteria provided, single submitter. Criteria: Invitae Variant Classification Sherloc (09022015). Collection method: clinical testing. Allele origin: germline.
Comment: This sequence change replaces aspartic acid, which is acidic and polar, with asparagine, which is neutral and polar, at codon 308 of the OAT protein (p.Asp308Asn). This variant is not present in population databases (gnomAD no frequency). This variant has not been reported in the literature in individuals affected with OAT-related conditions. ClinVar contains an entry for this variant (Variation ID: 1966398). Advanced modeling of protein sequence and biophysical properties (such as structural, functional, and spatial information, amino acid conservation, physicochemical variation, residue mobility, and thermodynamic stability) performed at Invitae indicates that this missense variant is not expected to disrupt OAT protein function with a negative predictive value of 80%. In summary, the available evidence is currently insufficient to determine the role of this variant in disease. Therefore, it has been classified as a Variant of Uncertain Significance.

NM_000274.4(OAT):c.922G>A (p.Asp308Asn)

Gene: OAT (ornithine aminotransferase; minus strand). Cytogenetic location: 10q26.13.
Variant type: single nucleotide variant.
Coding change: c.922G>A on transcript NM_000274.4 (MANE Select); coding-DNA position 922, G replaced by A.
Protein change: p.Asp308Asn; replaces aspartic acid 308 with asparagine.
Molecular consequence: missense variant.
Genome position (GRCh38, 1-based): chr10:124,401,818, C>T on the plus strand (G>A on the coding strand, the complement: OAT is on the minus strand). VCF-style: chr10-124401818-C-T. GRCh37 (hg19) VCF-style: chr10-126090387-C-T.
Other names: c.508G>A, p.Asp170Asn (NM_001171814.2); c.922G>A, p.Asp308Asn (NM_001322965.2, NM_001322966.2, NM_001322967.2 and 3 more transcripts); c.601G>A, p.Asp201Asn (NM_001322971.2); c.322G>A, p.Asp108Asn (NM_001322974.2); short protein forms D108N, D201N, D170N, D308N.
Identifiers: ClinVar variation 1966398 (VCV001966398.5), dbSNP rs2494450731, ClinGen allele CA378634206.